The following is an entry in ClinVar:

NM_024665.7(TBL1XR1):c.327_357dup (p.Gln120fs)

Gene: TBL1XR1 (TBL1X/Y related 1; minus strand). Cytogenetic location: 3q26.32.
Variant type: Duplication.
Coding change: c.327_357dup on transcript NM_024665.7 (MANE Select); coding-DNA positions 327 to 357, 31 bases duplicated.
Protein change: p.Gln120fs; shifts the reading frame from glutamine 120.
Molecular consequence: frameshift variant.
Genome position (GRCh38, 1-based): chr3:177,051,574-177,051,604, 31 bases duplicated; duplicating any 31 consecutive bases within chr3:177,051,574-177,051,608 gives the same sequence; the c. name uses the placement nearest the transcript's 3' end. GRCh37 (hg19): chr3:176,769,366-176,769,396.
Other names: c.327_357dup, p.Gln120fs (NM_001321193.3, NM_001321194.3, NM_001374327.1 and 2 more transcripts); c.66_96dup, p.Gln33fs (NM_001321195.3, NM_001374330.1); c.327_357dup31 (NM_024665.4); short protein forms Q120fs, Q33fs.
Identifiers: ClinVar variation 818064 (VCV000818064.6), dbSNP rs1577029136, ClinGen allele CA915941623.

ClinVar aggregate classification (germline): Pathogenic. Review status: criteria provided, multiple submitters, no conflicts (2 of 4 stars). 2 submissions from 2 submitters: Pathogenic (2). Last evaluated 2024-02-24.

Conditions:
Pierpont syndrome (PRPTS). Identifiers: Orphanet 487825, MedGen C1865644, MONDO:0011213, OMIM 602342.

Submissions (2):

Labcorp Genetics (formerly Invitae), Labcorp
Classification: Pathogenic for Pierpont syndrome. Last evaluated: 2024-02-24. Review status: criteria provided, single submitter. Criteria: Invitae Variant Classification Sherloc (09022015). Collection method: clinical testing. Allele origin: germline.
Comment: This sequence change creates a premature translational stop signal (p.Gln120Serfs*35) in the TBL1XR1 gene. It is expected to result in an absent or disrupted protein product. Loss-of-function variants in TBL1XR1 are known to be pathogenic (PMID: 23160955, 26740553, 27824329). This variant is not present in population databases (gnomAD no frequency). This variant has not been reported in the literature in individuals affected with TBL1XR1-related conditions. ClinVar contains an entry for this variant (Variation ID: 818064). For these reasons, this variant has been classified as Pathogenic.

GeneDx
Classification: Pathogenic. Last evaluated: 2019-10-15. Review status: criteria provided, single submitter. Criteria: GeneDx Variant Classification Process June 2021. Collection method: clinical testing. Allele origin: germline. Affected: yes.
Comment: Frameshift variant predicted to result in protein truncation or nonsense mediated decay in a gene for which loss-of-function is a known mechanism of disease; Not observed in large population cohorts (Lek et al., 2016); Has not been previously published as pathogenic or benign to our knowledge

Literature cited by the submitters: PubMed 23160955 (cited by Labcorp Genetics (formerly Invitae), Labcorp); PubMed 26740553 (cited by Labcorp Genetics (formerly Invitae), Labcorp); PubMed 27824329 (cited by Labcorp Genetics (formerly Invitae), Labcorp).